The following is an entry in ClinVar:

NM_024577.4(SH3TC2):c.904A>G (p.Ile302Val)

Gene: SH3TC2 (SH3 domain and tetratricopeptide repeats 2; minus strand). Cytogenetic location: 5q32.
Variant type: single nucleotide variant.
Coding change: c.904A>G on transcript NM_024577.4 (MANE Select); coding-DNA position 904, A replaced by G.
Protein change: p.Ile302Val; replaces isoleucine 302 with valine.
Molecular consequence: missense variant.
Genome position (GRCh38, 1-based): chr5:149,038,392, T>C on the plus strand (A>G on the coding strand, the complement: SH3TC2 is on the minus strand). VCF-style: chr5-149038392-T-C. GRCh37 (hg19) VCF-style: chr5-148417955-T-C.
Other names: p.Ile302Val; short protein forms I302V.
Identifiers: ClinVar variation 393159 (VCV000393159.6), dbSNP rs745345448, ClinGen allele CA3499351.

ClinVar aggregate classification (germline): Uncertain significance. Review status: criteria provided, multiple submitters, no conflicts (2 of 4 stars). 3 submissions from 3 submitters: Uncertain significance (3). Last evaluated 2023-02-02.

Conditions:
Charcot-Marie-Tooth disease type 4. Also called: Charcot-Marie-Tooth, Type 4; Charcot-Marie-Tooth disease, type IV. Identifiers: Orphanet 64749, MedGen C4082197, MONDO:0018995.

Allele frequency attached by ClinVar (database versions not stated): ExAC 0.00001; gnomAD 0.00001; gnomAD exomes 0.00001; TOPMed 0.00001.
gnomAD v4.1: 7 of 1,614,088 alleles (0.00043%); highest among the groups gnomAD compares: Non-Finnish European, 0.00051%; no homozygotes.

Submissions (3):

Mayo Clinic Laboratories, Mayo Clinic
Classification: Uncertain significance. Last evaluated: 2023-02-02. Review status: criteria provided, single submitter. Criteria: ACMG Guidelines, 2015. Collection method: clinical testing. Allele origin: germline. Observed: 1 variant allele.
Comment: BP4

Labcorp Genetics (formerly Invitae), Labcorp
Classification: Uncertain significance for Charcot-Marie-Tooth disease type 4. Last evaluated: 2022-06-11. Review status: criteria provided, single submitter. Criteria: Invitae Variant Classification Sherloc (09022015). Collection method: clinical testing. Allele origin: germline.
Comment: Advanced modeling of protein sequence and biophysical properties (such as structural, functional, and spatial information, amino acid conservation, physicochemical variation, residue mobility, and thermodynamic stability) performed at Invitae indicates that this missense variant is not expected to disrupt SH3TC2 protein function. ClinVar contains an entry for this variant (Variation ID: 393159). This variant has not been reported in the literature in individuals affected with SH3TC2-related conditions. This variant is present in population databases (rs745345448, gnomAD 0.0009%). This sequence change replaces isoleucine, which is neutral and non-polar, with valine, which is neutral and non-polar, at codon 302 of the SH3TC2 protein (p.Ile302Val). In summary, the available evidence is currently insufficient to determine the role of this variant in disease. Therefore, it has been classified as a Variant of Uncertain Significance.

GeneDx
Classification: Uncertain significance. Last evaluated: 2017-01-30. Review status: criteria provided, single submitter. Criteria: GeneDx Variant Classification (06012015). Collection method: clinical testing. Allele origin: germline. Affected: yes.
Comment: A variant of uncertain significance has been identified in the SH3TC2 gene. The I302V variant has not been published as a pathogenic variant, nor has it been reported as a benign variant to our knowledge. The I302V variant is not observed at a significant frequency in large population cohorts (Lek et al., 2016; 1000 Genomes Consortium et al., 2015; Exome Variant Server). The I302V variant is a conservative amino acid substitution, which is not likely to impact secondary protein structure as these residues share similar properties. This substitution occurs at a position where amino acids with similar properties to Isoleucine are tolerated across species. In silico analysis is inconsistent in its predictions as to whether or not the variant is damaging to the protein structure/function. Based on the currently available information, it is unclear whether this variant is a pathogenic variant or a rare benign variant.